The following is an entry in ClinVar:

ClinVar aggregate classification (germline): Likely pathogenic (1 of 4 stars; one submission).

Conditions:
TCTN3-related disorder. Also called: TCTN3-related condition.

Submission:

PreventionGenetics, part of Exact Sciences
Classification: Likely pathogenic for TCTN3-related condition. Last evaluated: 2026-01-15. Review status: criteria provided, single submitter. Criteria: ACMG Guidelines, 2015. Collection method: clinical testing. Allele origin: germline.
Comment: The TCTN3 c.1453-2A>C variant is predicted to disrupt the AG splice acceptor site and interfere with normal splicing. To our knowledge, this variant has not been reported in the literature or in a large population database (gnomAD), indicating this variant is rare. Variants that disrupt the consensus splice acceptor site in TCTN3 are expected to be pathogenic. This variant is interpreted as likely pathogenic.

NM_015631.6(TCTN3):c.1453-2A>C

Gene: TCTN3 (tectonic family member 3; minus strand). Cytogenetic location: 10q24.1.
Variant type: single nucleotide variant.
Coding change: c.1453-2A>C on transcript NM_015631.6 (MANE Select); the canonical splice acceptor site of the intron before coding-DNA position 1453, A replaced by C.
Molecular consequence: splice acceptor variant.
Genome position (GRCh38, 1-based): chr10:95,680,611, T>G on the plus strand (A>C on the coding strand, the complement: TCTN3 is on the minus strand). VCF-style: chr10-95680611-T-G. GRCh37 (hg19) VCF-style: chr10-97440368-T-G.
Other names: c.1009-2A>C (NM_001143973.2); c.1357-2A>C (NM_001410982.1).
Identifiers: ClinVar variation 4993247 (VCV004993247.1).